The following is an entry in ClinVar:

ClinVar aggregate classification (germline): Uncertain significance (1 of 4 stars; one submission).

Submission:

Labcorp Genetics (formerly Invitae), Labcorp
Classification: Uncertain significance. Last evaluated: 2025-11-17. Review status: criteria provided, single submitter. Criteria: Invitae Variant Classification Sherloc (09022015). Collection method: clinical testing. Allele origin: germline.
Comment: This sequence change replaces threonine, which is neutral and polar, with alanine, which is neutral and non-polar, at codon 967 of the RAI1 protein (p.Thr967Ala). This variant is not present in population databases (gnomAD no frequency). This variant has not been reported in the literature in individuals affected with RAI1-related conditions. Invitae Evidence Modeling of protein sequence and biophysical properties (such as structural, functional, and spatial information, amino acid conservation, physicochemical variation, residue mobility, and thermodynamic stability) indicates that this missense variant is not expected to disrupt RAI1 protein function with a negative predictive value of 80%. In summary, the available evidence is currently insufficient to determine the role of this variant in disease. Therefore, it has been classified as a Variant of Uncertain Significance.

NM_030665.4(RAI1):c.2899A>G (p.Thr967Ala)

Gene: RAI1 (retinoic acid induced 1; plus strand). Cytogenetic location: 17p11.2.
Variant type: single nucleotide variant.
Coding change: c.2899A>G on transcript NM_030665.4 (MANE Select); coding-DNA position 2899, A replaced by G.
Protein change: p.Thr967Ala; replaces threonine 967 with alanine.
Molecular consequence: missense variant.
Genome position (GRCh38, 1-based): chr17:17,795,847, A>G. VCF-style: chr17-17795847-A-G. GRCh37 (hg19) VCF-style: chr17-17699161-A-G.
Other names: short protein forms T967A.
Identifiers: ClinVar variation 4803848 (VCV004803848.1).